The following is an entry in ClinVar:

NM_000823.4(GHRHR):c.481C>T (p.Arg161Trp)

Gene: GHRHR (growth hormone releasing hormone receptor; plus strand). Cytogenetic location: 7p14.3.
Variant type: single nucleotide variant.
Coding change: c.481C>T on transcript NM_000823.4 (MANE Select); coding-DNA position 481, C replaced by T.
Protein change: p.Arg161Trp; replaces arginine 161 with tryptophan.
Molecular consequence: missense variant.
Genome position (GRCh38, 1-based): chr7:30,971,979, C>T. VCF-style: chr7-30971979-C-T. GRCh37 (hg19) VCF-style: chr7-31011594-C-T.
Other names: short protein forms R161W.
Identifiers: ClinVar variation 1012248 (VCV001012248.11), dbSNP rs758798716, ClinGen allele CA4208548.

ClinVar aggregate classification (germline): Pathogenic/Likely pathogenic. Review status: criteria provided, multiple submitters, no conflicts (2 of 4 stars). 3 submissions from 3 submitters: Pathogenic (2); Likely pathogenic (1). Last evaluated 2024-07-18.

Conditions:
Isolated growth hormone deficiency, type 4. Also called: ISOLATED GROWTH HORMONE DEFICIENCY, TYPE IV; DWARFISM OF SINDH. Identifiers: Orphanet 684247, MedGen C4722273, MONDO:0032567, OMIM 618157.

Allele frequency attached by ClinVar (database versions not stated): ExAC 0.00001; gnomAD exomes 0.00001; TOPMed 0.00002.
gnomAD v4.1: 54 of 1,613,920 alleles (0.0033%); highest among the groups gnomAD compares: South Asian, 0.0077%; no homozygotes.

Submissions (3):

Women's Health and Genetics/Laboratory Corporation of America, LabCorp
Classification: Pathogenic for Isolated growth hormone deficiency, type 4. Last evaluated: 2024-07-18. Review status: criteria provided, single submitter. Criteria: LabCorp Variant Classification Summary - May 2015. Collection method: clinical testing. Allele origin: germline.
Comment: Variant summary: GHRHR c.481C>T (p.Arg161Trp) results in a non-conservative amino acid change located in the GPCR, family 2-like, 7TM domain (IPR017981) of the encoded protein sequence. Four of five in-silico tools predict a damaging effect of the variant on protein function. The variant allele was found at a frequency of 1.2e-05 in 251434 control chromosomes (gnomAD). c.481C>T has been reported in the literature in multiple individuals affected with Isolated growth hormone deficiency, type 4 (e.g. Alatzoglou_2009, Cohen_2019, Kale_2020, Yu_2021). These data indicate that the variant is very likely to be associated with disease. At least one publication reports experimental evidence evaluating an impact on protein function, finding that the variant results in a complete loss of cAMPmediated transcriptional activity (Cohen_2019). The following publications have been ascertained in the context of this evaluation (PMID: 19567534, 34589056, 32894409, 31231873). ClinVar contains an entry for this variant (Variation ID: 1012248). Based on the evidence outlined above, the variant was classified as pathogenic.

GeneDx
Classification: Likely pathogenic. Last evaluated: 2023-11-25. Review status: criteria provided, single submitter. Criteria: GeneDx Variant Classification Process June 2021. Collection method: clinical testing. Allele origin: germline. Affected: yes.
Comment: Published functional studies demonstrate a damaging effect (PMID: 31231873); This variant is associated with the following publications: (PMID: 19567534, 32894409, 34006472, 31231873, 34589056, 27114065)

Labcorp Genetics (formerly Invitae), Labcorp
Classification: Pathogenic. Last evaluated: 2023-07-07. Review status: criteria provided, single submitter. Criteria: Invitae Variant Classification Sherloc (09022015). Collection method: clinical testing. Allele origin: germline.
Comment: For these reasons, this variant has been classified as Pathogenic. Experimental studies have shown that this missense change affects GHRHR function (PMID: 31231873). Advanced modeling of protein sequence and biophysical properties (such as structural, functional, and spatial information, amino acid conservation, physicochemical variation, residue mobility, and thermodynamic stability) performed at Invitae indicates that this missense variant is expected to disrupt GHRHR protein function. This sequence change replaces arginine, which is basic and polar, with tryptophan, which is neutral and slightly polar, at codon 161 of the GHRHR protein (p.Arg161Trp). ClinVar contains an entry for this variant (Variation ID: 1012248). This missense change has been observed in individual(s) with isolated growth hormone deficiency (PMID: 19567534, 34006472). In at least one individual the data is consistent with being in trans (on the opposite chromosome) from a pathogenic variant. It has also been observed to segregate with disease in related individuals. This variant is present in population databases (rs758798716, gnomAD 0.003%).

Literature cited by the submitters: PubMed 31231873 (cited by Women's Health and Genetics/Laboratory Corporation of America, LabCorp and Labcorp Genetics (formerly Invitae), Labcorp); PubMed 34589056 (cited by Women's Health and Genetics/Laboratory Corporation of America, LabCorp); PubMed 19567534 (cited by Women's Health and Genetics/Laboratory Corporation of America, LabCorp and Labcorp Genetics (formerly Invitae), Labcorp); PubMed 32894409 (cited by Women's Health and Genetics/Laboratory Corporation of America, LabCorp); PubMed 34006472 (cited by Labcorp Genetics (formerly Invitae), Labcorp).